The following is an entry in ClinVar:

NM_002250.3(KCNN4):c.-5G>T

Gene: KCNN4 (potassium calcium-activated channel subfamily N member 4; minus strand). Cytogenetic location: 19q13.31.
Variant type: single nucleotide variant.
Coding change: c.-5G>T on transcript NM_002250.3 (MANE Select); 5 bases upstream of the start codon, G replaced by T.
Molecular consequence: 5 prime UTR variant.
Genome position (GRCh38, 1-based): chr19:43,780,866, C>A on the plus strand (G>T on the coding strand, the complement: KCNN4 is on the minus strand). VCF-style: chr19-43780866-C-A. GRCh37 (hg19) VCF-style: chr19-44285018-C-A.
Other names: p.?.
Identifiers: ClinVar variation 3380623 (VCV003380623.1).
Genomic context (GRCh38, chr19:43,780,866, plus strand): 5'-AGCAAGCGCTTTCGGCGTCTCAAGGCCCCCAGGCCAAGCACCAGATCCCCGCCCATGGCC[C>A]CCGGGGTCTTGGGGCTCAGCCAGCTTCCTGCCCAGGGTCCCCCACCTCGCAGCACGCACA-3'

ClinVar aggregate classification (germline): Uncertain significance (1 of 4 stars; one submission).

gnomAD v4.1: 24 of 1,613,558 alleles (0.0015%); highest among the groups gnomAD compares: Non-Finnish European, 0.002%; no homozygotes.

Submission:

Mayo Clinic Laboratories, Mayo Clinic
Classification: Uncertain significance. Last evaluated: 2023-12-26. Review status: criteria provided, single submitter. Criteria: ACMG Guidelines, 2015. Collection method: clinical testing. Allele origin: germline. Observed: 1 variant allele.
Comment: BP4, BP7, PM2_moderate